The following is an entry in ClinVar:

ClinVar aggregate classification (germline): Uncertain significance (1 of 4 stars; one submission).

Conditions:
Hereditary cancer-predisposing syndrome. Also called: Neoplastic Syndromes, Hereditary; Tumor predisposition; Hereditary neoplastic syndrome; Hereditary Cancer Syndrome. Identifiers: Orphanet 140162, MedGen C0027672, MeSH D009386, MONDO:0015356.

Submission:

Ambry Genetics
Classification: Uncertain significance for Hereditary cancer-predisposing syndrome. Last evaluated: 2024-03-09. Review status: criteria provided, single submitter. Criteria: Ambry Variant Classification Scheme 2023. Collection method: clinical testing. Allele origin: germline.
Comment: The p.Q401L variant (also known as c.1202A>T), located in coding exon 12 of the POLE gene, results from an A to T substitution at nucleotide position 1202. The glutamine at codon 401 is replaced by leucine, an amino acid with dissimilar properties. This amino acid position is conserved. In addition, the in silico prediction for this alteration is inconclusive. Based on the available evidence, the clinical significance of this alteration remains unclear.

NM_006231.4(POLE):c.1202A>T (p.Gln401Leu)

Gene: POLE (DNA polymerase epsilon, catalytic subunit; minus strand). Cytogenetic location: 12q24.33.
Variant type: single nucleotide variant.
Coding change: c.1202A>T on transcript NM_006231.4 (MANE Select); coding-DNA position 1202, A replaced by T.
Protein change: p.Gln401Leu; replaces glutamine 401 with leucine.
Molecular consequence: missense variant.
Genome position (GRCh38, 1-based): chr12:132,675,422, T>A on the plus strand (A>T on the coding strand, the complement: POLE is on the minus strand). VCF-style: chr12-132675422-T-A. GRCh37 (hg19) VCF-style: chr12-133252008-T-A.
Other names: short protein forms Q401L.
Identifiers: ClinVar variation 3225385 (VCV003225385.1), dbSNP rs2136008517, ClinGen allele CA387360775.